The following is an entry in ClinVar:

NM_033100.4(CDHR1):c.676T>C (p.Phe226Leu)

Gene: CDHR1 (cadherin related family member 1; plus strand). Cytogenetic location: 10q23.1.
Variant type: single nucleotide variant.
Coding change: c.676T>C on transcript NM_033100.4 (MANE Select); coding-DNA position 676, T replaced by C.
Protein change: p.Phe226Leu; replaces phenylalanine 226 with leucine.
Molecular consequence: missense variant.
Genome position (GRCh38, 1-based): chr10:84,203,016, T>C. VCF-style: chr10-84203016-T-C. GRCh37 (hg19) VCF-style: chr10-85962772-T-C.
Other names: c.676T>C, p.Phe226Leu (NM_001171971.3); short protein forms F226L.
Identifiers: ClinVar variation 1485128 (VCV001485128.5), dbSNP rs756341257, ClinGen allele CA5579641.

ClinVar aggregate classification (germline): Uncertain significance (1 of 4 stars; one submission).

Allele frequency attached by ClinVar (database versions not stated): ExAC 0.00001; gnomAD exomes below 0.00001.
gnomAD v4.1: 7 of 1,614,154 alleles (0.00043%); highest among the groups gnomAD compares: Non-Finnish European, 0.00059%; no homozygotes.

Submission:

Labcorp Genetics (formerly Invitae), Labcorp
Classification: Uncertain significance. Last evaluated: 2021-08-24. Review status: criteria provided, single submitter. Criteria: Invitae Variant Classification Sherloc (09022015). Collection method: clinical testing. Allele origin: germline.
Comment: This sequence change replaces phenylalanine with leucine at codon 226 of the CDHR1 protein (p.Phe226Leu). The phenylalanine residue is moderately conserved and there is a small physicochemical difference between phenylalanine and leucine. This variant is present in population databases (rs756341257, ExAC 0.001%). This variant has not been reported in the literature in individuals affected with CDHR1-related conditions. Advanced modeling of protein sequence and biophysical properties (such as structural, functional, and spatial information, amino acid conservation, physicochemical variation, residue mobility, and thermodynamic stability) performed at Invitae indicates that this missense variant is not expected to disrupt CDHR1 protein function. In summary, the available evidence is currently insufficient to determine the role of this variant in disease. Therefore, it has been classified as a Variant of Uncertain Significance.